The following is an entry in ClinVar:

ClinVar aggregate classification (germline): Uncertain significance. Review status: criteria provided, multiple submitters, no conflicts (2 of 4 stars). 2 submissions from 2 submitters: Uncertain significance (2). Last evaluated 2024-02-05.

Conditions:
POLD1-related polyposis and colorectal cancer syndrome (CRCS10). Also called: Colorectal cancer 10; COLORECTAL CANCER, SUSCEPTIBILITY TO, ON CHROMOSOME 19q; Colorectal cancer, susceptibility to, 10. Identifiers: Orphanet 220460, MedGen C2675481, MONDO:0012953, OMIM 612591.
Hereditary cancer-predisposing syndrome. Also called: Tumor predisposition; Hereditary Cancer Syndrome; Hereditary neoplastic syndrome; Neoplastic Syndromes, Hereditary. Identifiers: Orphanet 140162, MedGen C0027672, MeSH D009386, MONDO:0015356.

Submissions (2):

Ambry Genetics
Classification: Uncertain significance for Hereditary cancer-predisposing syndrome. Last evaluated: 2024-02-05. Review status: criteria provided, single submitter. Criteria: Ambry Variant Classification Scheme 2023. Collection method: clinical testing. Allele origin: germline.
Comment: The p.S815F variant (also known as c.2444C>T), located in coding exon 19 of the POLD1 gene, results from a C to T substitution at nucleotide position 2444. The serine at codon 815 is replaced by phenylalanine, an amino acid with highly dissimilar properties. This amino acid position is conserved. In addition, this alteration is predicted to be tolerated by in silico analysis. Based on the available evidence, the clinical significance of this alteration remains unclear.

Labcorp Genetics (formerly Invitae), Labcorp
Classification: Uncertain significance for POLD1-related polyposis and colorectal cancer syndrome. Last evaluated: 2022-03-19. Review status: criteria provided, single submitter. Criteria: Invitae Variant Classification Sherloc (09022015). Collection method: clinical testing. Allele origin: germline.
Comment: In summary, the available evidence is currently insufficient to determine the role of this variant in disease. Therefore, it has been classified as a Variant of Uncertain Significance. Algorithms developed to predict the effect of missense changes on protein structure and function are either unavailable or do not agree on the potential impact of this missense change (SIFT: "Deleterious"; PolyPhen-2: "Probably Damaging"; Align-GVGD: "Class C0"). This variant has not been reported in the literature in individuals affected with POLD1-related conditions. This variant is not present in population databases (gnomAD no frequency). This sequence change replaces serine, which is neutral and polar, with phenylalanine, which is neutral and non-polar, at codon 815 of the POLD1 protein (p.Ser815Phe).

NM_002691.4(POLD1):c.2444C>T (p.Ser815Phe)

Gene: POLD1 (DNA polymerase delta 1, catalytic subunit; plus strand). Cytogenetic location: 19q13.33.
Variant type: single nucleotide variant.
Coding change: c.2444C>T on transcript NM_002691.4 (MANE Select); coding-DNA position 2444, C replaced by T.
Protein change: p.Ser815Phe; replaces serine 815 with phenylalanine.
Molecular consequence: missense variant. On other transcripts: non-coding transcript variant (1).
Genome position (GRCh38, 1-based): chr19:50,414,870, C>T. VCF-style: chr19-50414870-C-T. GRCh37 (hg19) VCF-style: chr19-50918127-C-T.
Other names: c.2444C>T, p.Ser815Phe (NM_001256849.1); c.2522C>T, p.Ser841Phe (NM_001308632.1); c.2444C>T (NM_002691.2); short protein forms S815F, S841F.
Identifiers: ClinVar variation 1919903 (VCV001919903.5), dbSNP rs2122465115, ClinGen allele CA406984746.